The following is an entry in ClinVar:

NM_024408.4(NOTCH2):c.6898C>T (p.Pro2300Ser)

Gene: NOTCH2 (notch receptor 2; minus strand). Cytogenetic location: 1p12.
Variant type: single nucleotide variant.
Coding change: c.6898C>T on transcript NM_024408.4 (MANE Select); coding-DNA position 6898, C replaced by T.
Protein change: p.Pro2300Ser; replaces proline 2300 with serine.
Molecular consequence: missense variant.
Genome position (GRCh38, 1-based): chr1:119,915,824, G>A on the plus strand (C>T on the coding strand, the complement: NOTCH2 is on the minus strand). VCF-style: chr1-119915824-G-A. GRCh37 (hg19) VCF-style: chr1-120458447-G-A.
Other names: c.6898C>T (NM_024408.3); short protein forms P2300S.
Identifiers: ClinVar variation 1417446 (VCV001417446.9), dbSNP rs765911576, ClinGen allele CA1039359.

ClinVar aggregate classification (germline): Uncertain significance. Review status: criteria provided, multiple submitters, no conflicts (2 of 4 stars). 2 submissions from 2 submitters: Uncertain significance (2). Last evaluated 2025-12-27.

Conditions:
Hajdu-Cheney syndrome (HJCYS). Also called: Acroosteolysis dominant type; ACROOSTEOLYSIS WITH OSTEOPOROSIS AND CHANGES IN SKULL AND MANDIBLE; SERPENTINE FIBULA-POLYCYSTIC KIDNEY SYNDROME. Identifiers: Orphanet 955, MedGen C0917715, MONDO:0007057, OMIM 102500.
Inborn genetic diseases. Identifiers: MedGen C0950123, MeSH D030342.

Allele frequency attached by ClinVar (database versions not stated): gnomAD 0.00001 and 0.00002; TOPMed 0.00001; ExAC 0.00002; gnomAD exomes 0.00002 and 0.00003.
gnomAD v4.1: 27 of 1,613,812 alleles (0.0017%); highest among the groups gnomAD compares: Middle Eastern, 0.033%; no homozygotes.

Submissions (2):

Labcorp Genetics (formerly Invitae), Labcorp
Classification: Uncertain significance for Hajdu-Cheney syndrome. Last evaluated: 2025-12-27. Review status: criteria provided, single submitter. Criteria: Invitae Variant Classification Sherloc (09022015). Collection method: clinical testing. Allele origin: germline.
Comment: This sequence change replaces proline, which is neutral and non-polar, with serine, which is neutral and polar, at codon 2300 of the NOTCH2 protein (p.Pro2300Ser). This variant is present in population databases (rs765911576, gnomAD 0.01%). This variant has not been reported in the literature in individuals affected with NOTCH2-related conditions. ClinVar contains an entry for this variant (Variation ID: 1417446). Invitae Evidence Modeling of protein sequence and biophysical properties (such as structural, functional, and spatial information, amino acid conservation, physicochemical variation, residue mobility, and thermodynamic stability) indicates that this missense variant is not expected to disrupt NOTCH2 protein function with a negative predictive value of 80%. In summary, the available evidence is currently insufficient to determine the role of this variant in disease. Therefore, it has been classified as a Variant of Uncertain Significance.

Ambry Genetics
Classification: Uncertain significance for Inborn genetic diseases. Last evaluated: 2022-08-12. Review status: criteria provided, single submitter. Criteria: Ambry Variant Classification Scheme 2023. Collection method: clinical testing. Allele origin: germline.